The following is an entry in ClinVar:

NM_000180.4(GUCY2D):c.187G>A (p.Ala63Thr)

Gene: GUCY2D (guanylate cyclase 2D, retinal; plus strand). Cytogenetic location: 17p13.1.
Variant type: single nucleotide variant.
Coding change: c.187G>A on transcript NM_000180.4 (MANE Select); coding-DNA position 187, G replaced by A.
Protein change: p.Ala63Thr; replaces alanine 63 with threonine.
Molecular consequence: missense variant.
Genome position (GRCh38, 1-based): chr17:8,003,234, G>A. VCF-style: chr17-8003234-G-A. GRCh37 (hg19) VCF-style: chr17-7906552-G-A.
Other names: c.187G>A (NM_000180.3); short protein forms A63T.
Identifiers: ClinVar variation 999818 (VCV000999818.10), dbSNP rs761828482, ClinGen allele CA8365481.

ClinVar aggregate classification (germline): Uncertain significance. Review status: criteria provided, multiple submitters, no conflicts (2 of 4 stars). 3 submissions from 3 submitters: Uncertain significance (3). Last evaluated 2025-04-07.

Conditions:
Inborn genetic diseases. Identifiers: MedGen C0950123, MeSH D030342.
Cone-rod dystrophy 6 (CORD6). Also called: Cone dystrophy progressive; RETINAL CONE DYSTROPHY 2. Identifiers: Orphanet 1872, MedGen C1866293, MONDO:0011143, OMIM 601777.
Leber congenital amaurosis 1 (LCA1). Also called: AMAUROSIS CONGENITA OF LEBER I; RETINAL BLINDNESS, CONGENITAL; Congenital absence of the rods and cones; Leber's congenital tapetoretinal degeneration; Leber's congenital tapetoretinal dysplasia. Identifiers: Orphanet 65, MedGen C2931258, MONDO:0008764, OMIM 204000.

Allele frequency attached by ClinVar (database versions not stated): gnomAD exomes 0.00001 and 0.00004; TOPMed 0.00002; ExAC 0.00009.

Submissions (3):

Ambry Genetics
Classification: Uncertain significance for Inborn genetic diseases. Last evaluated: 2025-04-07. Review status: criteria provided, single submitter. Criteria: Ambry Variant Classification Scheme 2023. Collection method: clinical testing. Allele origin: germline.

Labcorp Genetics (formerly Invitae), Labcorp
Classification: Uncertain significance for Leber congenital amaurosis 1; Cone-rod dystrophy 6. Last evaluated: 2024-10-23. Review status: criteria provided, single submitter. Criteria: Invitae Variant Classification Sherloc (09022015). Collection method: clinical testing. Allele origin: germline.
Comment: This sequence change replaces alanine, which is neutral and non-polar, with threonine, which is neutral and polar, at codon 63 of the GUCY2D protein (p.Ala63Thr). The frequency data for this variant in the population databases is considered unreliable, as metrics indicate poor data quality at this position in the gnomAD database. This variant has not been reported in the literature in individuals affected with GUCY2D-related conditions. ClinVar contains an entry for this variant (Variation ID: 999818). Invitae Evidence Modeling of protein sequence and biophysical properties (such as structural, functional, and spatial information, amino acid conservation, physicochemical variation, residue mobility, and thermodynamic stability) indicates that this missense variant is not expected to disrupt GUCY2D protein function with a negative predictive value of 80%. In summary, the available evidence is currently insufficient to determine the role of this variant in disease. Therefore, it has been classified as a Variant of Uncertain Significance.

Blueprint Genetics
Classification: Uncertain significance. Last evaluated: 2022-11-25. Review status: criteria provided, single submitter. Criteria: ACMG Guidelines, 2015. Collection method: clinical testing. Allele origin: germline.